The following is an entry in ClinVar:

NM_000535.7(PMS2):c.742A>G (p.Ser248Gly)

Gene: PMS2 (PMS1 homolog 2, mismatch repair system component; minus strand). Cytogenetic location: 7p22.1.
Variant type: single nucleotide variant.
Coding change: c.742A>G on transcript NM_000535.7 (MANE Select); coding-DNA position 742, A replaced by G.
Protein change: p.Ser248Gly; replaces serine 248 with glycine.
Molecular consequence: missense variant. On other transcripts: 5 prime UTR variant (2), non-coding transcript variant (1), intron variant (3).
Genome position (GRCh38, 1-based): chr7:5,997,387, T>C on the plus strand (A>G on the coding strand, the complement: PMS2 is on the minus strand). VCF-style: chr7-5997387-T-C. GRCh37 (hg19) VCF-style: chr7-6037018-T-C.
Other names: c.337A>G, p.Ser113Gly (NM_001322003.2, NM_001322004.2, NM_001322005.2 and 19 more transcripts); c.742A>G, p.Ser248Gly (NM_001322006.2, NM_001322014.2, NM_001406870.1 and 3 more transcripts); c.424A>G, p.Ser142Gly (NM_001322007.2, NM_001322008.2, NM_001406876.1 and 4 more transcripts); c.-192A>G (NM_001322011.2, NM_001322012.2); c.169A>G, p.Ser57Gly (NM_001322013.2, NM_001406909.1); c.433A>G, p.Ser145Gly (NM_001322015.2, NM_001406875.1, NM_001406877.1 and 6 more transcripts); c.928A>G, p.Ser310Gly (NM_001406866.1); c.766A>G, p.Ser256Gly (NM_001406868.1); and 7 more; short protein forms S113G, S136G, S142G, S145G, S192G, S212G, S248G, S256G.
Identifiers: ClinVar variation 3616429 (VCV003616429.3).

ClinVar aggregate classification (germline): Uncertain significance. Review status: criteria provided, multiple submitters, no conflicts (2 of 4 stars). 2 submissions from 2 submitters: Uncertain significance (2). Last evaluated 2025-03-17.

Conditions:
Hereditary nonpolyposis colorectal neoplasms. Identifiers: MedGen C0009405, MeSH D003123.
Hereditary cancer-predisposing syndrome. Also called: Hereditary Cancer Syndrome; Neoplastic Syndromes, Hereditary; Tumor predisposition; Hereditary neoplastic syndrome. Identifiers: Orphanet 140162, MedGen C0027672, MeSH D009386, MONDO:0015356.

gnomAD v4.1: 2 of 1,601,742 alleles (0.00012%); highest among the groups gnomAD compares: Non-Finnish European, 0.00017%; no homozygotes.

Submissions (2):

Ambry Genetics
Classification: Uncertain significance for Hereditary cancer-predisposing syndrome. Last evaluated: 2025-03-17. Review status: criteria provided, single submitter. Criteria: Ambry Variant Classification Scheme 2023. Collection method: clinical testing. Allele origin: germline.
Comment: The p.S248G variant (also known as c.742A>G), located in coding exon 7 of the PMS2 gene, results from an A to G substitution at nucleotide position 742. The serine at codon 248 is replaced by glycine, an amino acid with similar properties. This amino acid position is well conserved in available vertebrate species. In addition, the in silico prediction for this alteration is inconclusive. Based on the available evidence, the clinical significance of this variant remains unclear.

Labcorp Genetics (formerly Invitae), Labcorp
Classification: Uncertain significance for Hereditary nonpolyposis colorectal neoplasms. Last evaluated: 2024-06-30. Review status: criteria provided, single submitter. Criteria: Invitae Variant Classification Sherloc (09022015). Collection method: clinical testing. Allele origin: germline.
Comment: This sequence change replaces serine, which is neutral and polar, with glycine, which is neutral and non-polar, at codon 248 of the PMS2 protein (p.Ser248Gly). This variant is not present in population databases (gnomAD no frequency). This missense change has been observed in individual(s) with breast cancer (PMID: 35449176). Advanced modeling of protein sequence and biophysical properties (such as structural, functional, and spatial information, amino acid conservation, physicochemical variation, residue mobility, and thermodynamic stability) performed at Invitae indicates that this missense variant is expected to disrupt PMS2 protein function with a positive predictive value of 80%. In summary, the available evidence is currently insufficient to determine the role of this variant in disease. Therefore, it has been classified as a Variant of Uncertain Significance.

Literature cited by the submitters: PubMed 35449176 (cited by Labcorp Genetics (formerly Invitae), Labcorp).